The following is an entry in ClinVar:

NM_018230.3(NUP133):c.2561G>A (p.Gly854Asp)

Gene: NUP133 (nucleoporin 133; minus strand). Cytogenetic location: 1q42.13.
Variant type: single nucleotide variant.
Coding change: c.2561G>A on transcript NM_018230.3 (MANE Select); coding-DNA position 2561, G replaced by A.
Protein change: p.Gly854Asp; replaces glycine 854 with aspartic acid.
Molecular consequence: missense variant.
Genome position (GRCh38, 1-based): chr1:229,463,667, C>T on the plus strand (G>A on the coding strand, the complement: NUP133 is on the minus strand). VCF-style: chr1-229463667-C-T. GRCh37 (hg19) VCF-style: chr1-229599414-C-T.
Other names: c.2561G>A (NM_018230.2); short protein forms G854D.
Identifiers: ClinVar variation 1575600 (VCV001575600.34), dbSNP rs35944758, ClinGen allele CA1443248.

ClinVar aggregate classification (germline): Likely benign. Review status: criteria provided, multiple submitters, no conflicts (2 of 4 stars). 4 submissions from 4 submitters: Likely benign (3). 1 of the submissions does not count toward it. Last evaluated 2026-01-22.

Conditions:
NUP133-related disorder. Also called: NUP133-related condition.

Allele frequency attached by ClinVar (database versions not stated): 1000 Genomes Project 0.00220; 1000 Genomes Project 30x 0.00234; ExAC 0.00439; ESP Exome Variant Server 0.00446; gnomAD 0.00459 and 0.00479; gnomAD exomes 0.00469 and 0.00627; TOPMed 0.00530.

Submissions (4):

Labcorp Genetics (formerly Invitae), Labcorp
Classification: Likely benign. Last evaluated: 2026-01-22. Review status: criteria provided, single submitter. Criteria: Invitae Variant Classification Sherloc (09022015). Collection method: clinical testing. Allele origin: germline.

CeGaT Center for Human Genetics Tuebingen
Classification: Likely benign. Last evaluated: 2025-09-01. Review status: criteria provided, single submitter. Criteria: CeGaT Center For Human Genetics Tuebingen Variant Classification Criteria Version 2. Collection method: clinical testing. Allele origin: germline. Affected: yes. Observed: 3 variant alleles.
Comment: NUP133: BS2

Breakthrough Genomics
Classification: Likely benign. Review status: criteria provided, single submitter. Criteria: ACMG Guidelines, 2015. Collection method: not provided. Allele origin: germline. Inheritance: Autosomal recessive inheritance. Affected: yes.

PreventionGenetics, part of Exact Sciences
Classification: Benign for NUP133-related condition. Last evaluated: 2020-07-17. Review status: no assertion criteria provided. Collection method: clinical testing. Allele origin: germline. Not counted in ClinVar's aggregate classification.
Comment: This variant is classified as benign based on ACMG/AMP sequence variant interpretation guidelines (Richards et al. 2015 PMID: 25741868, with internal and published modifications).